The following is an entry in ClinVar:

NM_017514.5(PLXNA3):c.3276G>C (p.Arg1092=)

Gene: PLXNA3 (plexin A3; plus strand). Cytogenetic location: Xq28.
Variant type: single nucleotide variant.
Coding change: c.3276G>C on transcript NM_017514.5 (MANE Select); coding-DNA position 3276, G replaced by C.
Protein change: p.Arg1092=; no amino-acid change (arginine 1092 retained).
Molecular consequence: synonymous variant.
Genome position (GRCh38, 1-based): chrX:154,467,306, G>C. VCF-style: chrX-154467306-G-C. GRCh37 (hg19) VCF-style: chrX-153695649-G-C.
Identifiers: ClinVar variation 3349502 (VCV003349502.1).

ClinVar aggregate classification (germline): Likely benign (0 of 4 stars; one submission).

Conditions:
PLXNA3-related disorder. Also called: PLXNA3-related condition.

gnomAD v4.1: 3 of 1,207,955 alleles (0.00025%); highest among the groups gnomAD compares: African/African-American, 0.0035%; no homozygotes.

Submission:

PreventionGenetics, part of Exact Sciences
Classification: Likely benign for PLXNA3-related condition. Last evaluated: 2023-09-29. Review status: no assertion criteria provided. Collection method: clinical testing. Allele origin: germline.
Comment: This variant is classified as likely benign based on ACMG/AMP sequence variant interpretation guidelines (Richards et al. 2015 PMID: 25741868, with internal and published modifications).